The following is an entry in ClinVar:

ClinVar aggregate classification (germline): Likely pathogenic. Review status: reviewed by expert panel (3 of 4 stars). 5 submissions from 5 submitters: Likely pathogenic (1). 4 of the submissions do not count toward it. Last evaluated 2024-05-14.

Conditions:
Very long chain acyl-CoA dehydrogenase deficiency (ACADVLD). Also called: VLCAD Deficiency; Very Long-Chain Acyl-Coenzyme A Dehydrogenase Deficiency. Identifiers: Orphanet 26793, MedGen C3887523, MONDO:0008723, OMIM 201475.

Submissions (5):

ClinGen ACADVL Variant Curation Expert Panel, ClinGen
Classification: Likely pathogenic for Very long chain acyl-CoA dehydrogenase deficiency. Last evaluated: 2024-05-14. Review status: reviewed by expert panel. Criteria: clingen acadvl acmg specifications v1. Collection method: curation. Allele origin: germline. Inheritance: Autosomal recessive inheritance.
Comment: The c.996dup (p.Ala333fs)(NM_000018.3) variant in ACADVL is a frameshift variant predicted to cause a premature stop codon in biologically-relevant-exon 10/20 leading to nonsense mediated decay in a gene in which loss-of-function is an established disease mechanism (PVS1; PMIDs 9973285, 11590124). This variant is absent from gnomAD v2.1.1 (PM2_Supporting). At least one individual with this variant was identified, but this information is insufficient to use toward classification (PMID: 25242572). The ACADVL Variant Curation Expert Panel VCEP classified the variant as likely pathogenic based on PVS1+PM2_supporting (ACADVL VCEP specifications version 1; approved November 9, 2021).

Labcorp Genetics (formerly Invitae), Labcorp
Classification: Pathogenic for Very long chain acyl-CoA dehydrogenase deficiency. Last evaluated: 2025-03-16. Review status: criteria provided, single submitter. Criteria: Invitae Variant Classification Sherloc (09022015). Collection method: clinical testing. Allele origin: germline. Not counted in ClinVar's aggregate classification.
Comment: This sequence change creates a premature translational stop signal (p.Ala333Cysfs*26) in the ACADVL gene. It is expected to result in an absent or disrupted protein product. Loss-of-function variants in ACADVL are known to be pathogenic (PMID: 9973285, 11590124). This variant is not present in population databases (gnomAD no frequency). This premature translational stop signal has been observed in individual(s) with very long chain acyl coenzyme A (CoA) dehydrogenase deficiency (PMID: 25242572). ClinVar contains an entry for this variant (Variation ID: 370886). For these reasons, this variant has been classified as Pathogenic.

Natera, Inc.
Classification: Pathogenic for Very long chain acyl-CoA dehydrogenase deficiency. Last evaluated: 2024-08-12. Review status: criteria provided, single submitter. Criteria: Natera Variant Classification Schema (03/2026). Collection method: clinical testing. Allele origin: germline. Not counted in ClinVar's aggregate classification.
Comment: The c.996dupT variant in ACADVL is a frameshift variant predicted to shift the reading frame beginning at codon 333 and leads to a stop codon 26 codons downstream. This variant is expected to result in nonsense mediated decay, truncation, or a dysfunctional protein product. This variant is rare in the general population with a frequency below the threshold expected for the associated phenotype(s). This variant has been observed in one or more individuals affected with the associated recessive disease, as either homozygous or compound heterozygous with a second variant (PMID: 35400565). Given the available evidence, this variant is classified as Pathogenic.

Baylor Genetics
Classification: Pathogenic for Very long chain acyl-CoA dehydrogenase deficiency. Last evaluated: 2023-04-19. Review status: criteria provided, single submitter. Criteria: ACMG Guidelines, 2015. Collection method: clinical testing. Allele origin: unknown. Not counted in ClinVar's aggregate classification.

Counsyl
Classification: Likely pathogenic for Very long chain acyl-CoA dehydrogenase deficiency. Last evaluated: 2016-05-11. Review status: no assertion criteria provided. Collection method: clinical testing. Allele origin: unknown. Not counted in ClinVar's aggregate classification.

Literature cited by the submitters: PubMed 9973285 (cited by Labcorp Genetics (formerly Invitae), Labcorp); PubMed 11590124 (cited by Labcorp Genetics (formerly Invitae), Labcorp); PubMed 25242572 (cited by Labcorp Genetics (formerly Invitae), Labcorp and Counsyl); PubMed 35400565 (cited by Natera, Inc.).

NM_000018.4(ACADVL):c.996dup (p.Ala333fs)

Gene: ACADVL (acyl-CoA dehydrogenase very long chain; plus strand). Cytogenetic location: 17p13.1.
Variant type: Duplication.
Coding change: c.996dup on transcript NM_000018.4 (MANE Select); coding-DNA position 996, one base duplicated (T; older notation c.996dupT).
Protein change: p.Ala333fs; shifts the reading frame from alanine 333.
Molecular consequence: frameshift variant.
Genome position (GRCh38, 1-based): chr17:7,222,784, T duplicated; the last of 2 consecutive T bases (chr17:7,222,783-7,222,784); duplicating either gives the same sequence. VCF-style (leftmost placement, unchanged base first): chr17-7222782-G-GT. GRCh37 (hg19) VCF-style: chr17-7126101-G-GT.
Other names: NM_000018.4(ACADVL):c.996dup; p.Ala333fs; c.930dup, p.Ala311fs (NM_001033859.3); c.1065dup, p.Ala356fs (NM_001270447.2); c.768dup, p.Ala257fs (NM_001270448.2); short protein forms A257fs, A311fs, A333fs, A356fs.
Identifiers: ClinVar variation 370886 (VCV000370886.19), dbSNP rs1057516843, ClinGen allele CA16041865.